The following is an entry in ClinVar:

NM_000038.6(APC):c.5733A>G (p.Gln1911=)

Gene: APC (APC regulator of Wnt signaling pathway; plus strand). Cytogenetic location: 5q22.2.
Variant type: single nucleotide variant.
Coding change: c.5733A>G on transcript NM_000038.6 (MANE Select); coding-DNA position 5733, A replaced by G.
Protein change: p.Gln1911=; no amino-acid change (glutamine 1911 retained).
Molecular consequence: synonymous variant.
Genome position (GRCh38, 1-based): chr5:112,841,327, A>G. VCF-style: chr5-112841327-A-G. GRCh37 (hg19) VCF-style: chr5-112177024-A-G.
Other names: c.5733A>G, p.Gln1911= (NM_001127510.3, NM_001354895.2); c.5679A>G, p.Gln1893= (NM_001127511.3); c.5787A>G, p.Gln1929= (NM_001354896.2); c.5763A>G, p.Gln1921= (NM_001354897.2); c.5658A>G, p.Gln1886= (NM_001354898.2); c.5649A>G, p.Gln1883= (NM_001354899.2); c.5610A>G, p.Gln1870= (NM_001354900.2); c.5556A>G, p.Gln1852= (NM_001354901.2); and 5 more.
Identifiers: ClinVar variation 1332228 (VCV001332228.7), dbSNP rs1554086927, ClinGen allele CA446209400.

ClinVar aggregate classification (germline): Benign/Likely benign. Review status: criteria provided, multiple submitters, no conflicts (2 of 4 stars). 4 submissions from 4 submitters: Benign (1); Likely benign (3). Last evaluated 2024-06-18.

Conditions:
Hereditary cancer-predisposing syndrome. Also called: Tumor predisposition; Hereditary Cancer Syndrome; Neoplastic Syndromes, Hereditary; Hereditary neoplastic syndrome. Identifiers: Orphanet 140162, MedGen C0027672, MeSH D009386, MONDO:0015356.
Familial adenomatous polyposis 1 (FAP1). Also called: POLYPOSIS, ADENOMATOUS INTESTINAL; FAMILIAL ADENOMATOUS POLYPOSIS 1, ATTENUATED. Identifiers: MedGen C2713442, MONDO:0021056, OMIM 175100. Disease mechanism: loss of function.

Submissions (4):

Labcorp Genetics (formerly Invitae), Labcorp
Classification: Likely benign for Familial adenomatous polyposis 1. Last evaluated: 2024-06-18. Review status: criteria provided, single submitter. Criteria: Invitae Variant Classification Sherloc (09022015). Collection method: clinical testing. Allele origin: germline.

Myriad Genetics, Inc.
Classification: Benign for Familial adenomatous polyposis 1. Last evaluated: 2024-04-02. Review status: criteria provided, single submitter. Criteria: Myriad Autosomal Dominant, Autosomal Recessive and X-Linked Classification Criteria (2023). Collection method: clinical testing. Allele origin: unknown.
Comment: This variant is considered benign. This variant is a silent/synonymous amino acid change and it is not expected to impact splicing.

Ambry Genetics
Classification: Likely benign for Hereditary cancer-predisposing syndrome. Last evaluated: 2023-07-27. Review status: criteria provided, single submitter. Criteria: Ambry Variant Classification Scheme 2023. Collection method: clinical testing. Allele origin: germline.

Color Diagnostics, LLC DBA Color Health
Classification: Likely benign for Hereditary cancer-predisposing syndrome. Last evaluated: 2021-04-20. Review status: criteria provided, single submitter. Criteria: ACMG Guidelines, 2015. Collection method: clinical testing. Allele origin: germline.